The following is an entry in ClinVar:

ClinVar aggregate classification (germline): Conflicting classifications of pathogenicity. Review status: criteria provided, conflicting classifications (1 of 4 stars). 2 submissions from 2 submitters: Uncertain significance (1); Likely benign (1). Last evaluated 2024-05-16.

Conditions:
Familial thoracic aortic aneurysm and aortic dissection (TAAD). Also called: Thoracic aortic aneurysms and dissections. Identifiers: Orphanet 91387, MedGen C4707243, MONDO:0019625.

Allele frequency attached by ClinVar (database versions not stated): gnomAD exomes below 0.00001; TOPMed below 0.00001; gnomAD 0.00001.
gnomAD v4.1: 2 of 1,612,652 alleles (0.00012%); highest among the groups gnomAD compares: African/African-American, 0.0013%; no homozygotes.

Submissions (2):

Ambry Genetics
Classification: Likely benign for Familial thoracic aortic aneurysm and aortic dissection. Last evaluated: 2024-05-16. Review status: criteria provided, single submitter. Criteria: Ambry Variant Classification Scheme 2023. Collection method: clinical testing. Allele origin: germline.

Color Diagnostics, LLC DBA Color Health
Classification: Uncertain significance for Familial thoracic aortic aneurysm and aortic dissection. Last evaluated: 2019-07-29. Review status: criteria provided, single submitter. Criteria: ACMG Guidelines, 2015. Collection method: clinical testing. Allele origin: germline.
Comment: This missense variant replaces alanine with valine at codon 1879 of the MYH11 protein. Computational prediction tools and conservation analyses are inconclusive regarding the impact of this variant on protein function. Computational splicing tools suggest that this variant may not impact RNA splicing. To our knowledge, functional assays have not been performed for this variant nor has this variant been reported in individuals affected with cardiovascular disorders in the literature. This variant has not been identified in the general population by the Genome Aggregation Database (gnomAD). Available evidence is insufficient to determine the role of this variant in disease conclusively. Therefore, this variant is classified as a Variant of Uncertain Significance.

NM_002474.3(MYH11):c.5615C>T (p.Ala1872Val)

Genes: MYH11 (myosin heavy chain 11; minus strand), NDE1 (nudE neurodevelopment protein 1; plus strand). Cytogenetic location: 16p13.11.
Variant type: single nucleotide variant.
Coding change: c.5615C>T on transcript NM_002474.3 (MANE Select); coding-DNA position 5615, C replaced by T.
Protein change: p.Ala1872Val; replaces alanine 1872 with valine.
Molecular consequence: missense variant. On other transcripts: intron variant (2).
Genome position (GRCh38, 1-based): chr16:15,715,080, G>A on the plus strand (C>T on the coding strand, the complement: MYH11 is on the minus strand). VCF-style: chr16-15715080-G-A. GRCh37 (hg19) VCF-style: chr16-15808937-G-A.
Other names: c.5636C>T, p.Ala1879Val (NM_001040113.2, NM_001040114.2); c.5615C>T, p.Ala1872Val (NM_022844.3); c.948-9111G>A (NM_001143979.2, NM_017668.3); short protein forms A1872V, A1879V.
Identifiers: ClinVar variation 922842 (VCV000922842.4), dbSNP rs943486107, ClinGen allele CA278593623.